The following is an entry in ClinVar:

NM_001394477.1(FCGR2B):c.295T>C (p.Tyr99His)

Gene: FCGR2B (Fc gamma receptor IIb; plus strand). Cytogenetic location: 1q23.3.
Variant type: single nucleotide variant.
Coding change: c.295T>C on transcript NM_001394477.1 (MANE Select); coding-DNA position 295, T replaced by C.
Protein change: p.Tyr99His; replaces tyrosine 99 with histidine.
Molecular consequence: missense variant. On other transcripts: non-coding transcript variant (1).
Genome position (GRCh38, 1-based): chr1:161,671,553, T>C. VCF-style: chr1-161671553-T-C. GRCh37 (hg19) VCF-style: chr1-161641343-T-C.
Other names: c.292T>C, p.Tyr98His (NM_001002273.3, NM_001002275.3); c.295T>C, p.Tyr99His (NM_001002274.3, NM_001386003.1, NM_001386005.1 and 1 more transcripts); c.274T>C, p.Tyr92His (NM_001190828.2, NM_001386001.1, NM_001386006.1); c.271T>C, p.Tyr91His (NM_001386000.1, NM_001386002.1, NM_001386004.1); short protein forms Y91H, Y92H, Y98H, Y99H.
Identifiers: ClinVar variation 4822719 (VCV004822719.4).

ClinVar aggregate classification (germline): Uncertain significance (1 of 4 stars; one submission).

Submission:

CeGaT Center for Human Genetics Tuebingen
Classification: Uncertain significance. Last evaluated: 2026-02-01. Review status: criteria provided, single submitter. Criteria: CeGaT Center For Human Genetics Tuebingen Variant Classification Criteria Version 2. Collection method: clinical testing. Allele origin: germline. Affected: yes. Observed: 1 variant allele.
Comment: FCGR2B: PM2, BP4